The following is an entry in ClinVar:

NM_000053.4(ATP7B):c.2865+6T>C

Gene: ATP7B (ATPase copper transporting beta; minus strand). Cytogenetic location: 13q14.3.
Variant type: single nucleotide variant.
Coding change: c.2865+6T>C on transcript NM_000053.4 (MANE Select); 6 bases into the intron after coding-DNA position 2865, T replaced by C.
Molecular consequence: intron variant.
Genome position (GRCh38, 1-based): chr13:51,949,656, A>G on the plus strand (T>C on the coding strand, the complement: ATP7B is on the minus strand). VCF-style: chr13-51949656-A-G. GRCh37 (hg19) VCF-style: chr13-52523792-A-G.
Other names: p.?; c.2379+6T>C (NM_001406541.1, NM_001406546.1, NM_001406542.1); c.2613+6T>C (NM_001406531.1, NM_001406532.1, NM_001406540.1 and 1 more transcripts); c.2631+6T>C (NM_001406527.1, NM_001406528.1, NM_001406538.1 and 1 more transcripts); c.2721+6T>C (NM_001406537.1, NM_001406521.1, NM_001406522.1 and 1 more transcripts); c.2865+6T>C (NM_001406513.1, NM_001406511.1, NM_001406512.1 and 3 more transcripts); c.2517+6T>C (NM_001406543.1); c.2811+60T>C (NM_001406516.1, NM_001406515.1); and 13 more.
Identifiers: ClinVar variation 3380153 (VCV003380153.3).

ClinVar aggregate classification (germline): Uncertain significance. Review status: criteria provided, multiple submitters, no conflicts (2 of 4 stars). 2 submissions from 2 submitters: Uncertain significance (2). Last evaluated 2024-08-06.

Conditions:
Wilson disease (WND). Also called: Wilson's disease. Identifiers: Orphanet 905, MedGen C0019202, MONDO:0010200, OMIM 277900. Disease mechanism: loss of function.

Submissions (2):

Labcorp Genetics (formerly Invitae), Labcorp
Classification: Uncertain significance for Wilson disease. Last evaluated: 2024-08-06. Review status: criteria provided, single submitter. Criteria: Invitae Variant Classification Sherloc (09022015). Collection method: clinical testing. Allele origin: germline.
Comment: This sequence change falls in intron 12 of the ATP7B gene. It does not directly change the encoded amino acid sequence of the ATP7B protein. It affects a nucleotide within the consensus splice site. This variant is not present in population databases (gnomAD no frequency). This variant has not been reported in the literature in individuals affected with ATP7B-related conditions. Variants that disrupt the consensus splice site are a relatively common cause of aberrant splicing (PMID: 17576681, 9536098). Algorithms developed to predict the effect of sequence changes on RNA splicing suggest that this variant may disrupt the consensus splice site. In summary, the available evidence is currently insufficient to determine the role of this variant in disease. Therefore, it has been classified as a Variant of Uncertain Significance.

Mayo Clinic Laboratories, Mayo Clinic
Classification: Uncertain significance. Last evaluated: 2024-01-04. Review status: criteria provided, single submitter. Criteria: ACMG Guidelines, 2015. Collection method: clinical testing. Allele origin: germline. Observed: 1 variant allele.
Comment: PM2_moderate

Literature cited by the submitters: PubMed 17576681 (cited by Labcorp Genetics (formerly Invitae), Labcorp); PubMed 9536098 (cited by Labcorp Genetics (formerly Invitae), Labcorp).